The following is an entry in ClinVar:

ClinVar aggregate classification (germline): Pathogenic (1 of 4 stars; one submission).

Conditions:
Inborn genetic diseases. Identifiers: MedGen C0950123, MeSH D030342.

Submission:

Ambry Genetics
Classification: Pathogenic for Inborn genetic diseases. Last evaluated: 2026-04-08. Review status: criteria provided, single submitter. Criteria: Ambry Variant Classification Scheme 2023. Collection method: clinical testing. Allele origin: germline.
Comment: The c.4281_4287dupTAGAGTG (p.E1430*) alteration, located in exon 3 (coding exon 3) of the SETD2 gene, consists of a duplication of TAGAGTG at position 4281, causing a translational frameshift with a predicted alternate stop codon after amino acids. This variant is expected to result in loss of function by premature protein truncation or nonsense-mediated mRNA decay. ; however, its clinical significance for autosomal dominant Rabin-Pappas syndrome is uncertain. This variant was not reported in population-based cohorts in the Genome Aggregation Database (gnomAD). Based on the available evidence, this alteration is classified as pathogenic.

NM_014159.7(SETD2):c.4281_4287dup (p.Glu1430Ter)

Gene: SETD2 (SET domain containing 2, histone lysine methyltransferase; minus strand). Cytogenetic location: 3p21.31.
Variant type: Duplication.
Coding change: c.4281_4287dup on transcript NM_014159.7 (MANE Select); coding-DNA positions 4281 to 4287, 7 bases duplicated (TAGAGTG; older notation c.4281_4287dupTAGAGTG).
Protein change: p.Glu1430Ter; replaces glutamic acid 1430 with a stop codon.
Molecular consequence: nonsense. On other transcripts: frameshift variant (1), non-coding transcript variant (1).
Genome position (GRCh38, 1-based): chr3:47,120,349-47,120,355, CACTCTA duplicated on the plus strand (TAGAGTG on the coding strand, the reverse complement: SETD2 is on the minus strand). VCF-style (leftmost placement, unchanged base first): chr3-47120348-C-CCACTCTA. GRCh37 (hg19) VCF-style: chr3-47161838-C-CCACTCTA.
Other names: c.4281_4287dupTAGAGTG (NM_014159.6); c.4149_4155dup, p.Glu1386Ter (NM_001349370.3); short protein forms E1386*, E1430*.
Identifiers: ClinVar variation 4864345 (VCV004864345.1).